The following is an entry in ClinVar:

ClinVar aggregate classification (germline): Uncertain significance. Review status: criteria provided, multiple submitters, no conflicts (2 of 4 stars). 8 submissions from 8 submitters: Uncertain significance (8). Last evaluated 2026-01-22.

Conditions:
Mitochondrial complex 2 deficiency, nuclear type 4. Also called: MITOCHONDRIAL COMPLEX II DEFICIENCY, NUCLEAR TYPE 4. Identifiers: MedGen C5543176, MONDO:0030974, OMIM 619224.
Carney-Stratakis syndrome. Also called: PARAGANGLIOMA AND GASTROINTESTINAL STROMAL TUMOR. Identifiers: Orphanet 97286, MedGen C1847319, MONDO:0011740, OMIM 606864.
Pheochromocytoma/paraganglioma syndrome 4. Also called: CAROTID BODY TUMORS AND MULTIPLE EXTRAADRENAL PHEOCHROMOCYTOMAS; PARAGANGLIOMA, FAMILIAL MALIGNANT; PARAGANGLIOMAS, HEREDITARY EXTRAADRENAL; PHEOCHROMOCYTOMA, FAMILIAL EXTRAADRENAL; Paragangliomas 4; SDHB-Related Hereditary Paraganglioma-Pheochromocytoma Syndrome (Paragangliomas 4). Identifiers: Orphanet 29072, MedGen C1861848, MONDO:0007273, OMIM 115310.
Pheochromocytoma. Also called: MAX-Related Hereditary Paraganglioma-Pheochromocytoma Syndrome. Identifiers: Orphanet 29072, MedGen C0031511, MONDO:0008233, OMIM 171300, HP:0002666.
Gastrointestinal stromal tumor. Also called: Gastrointestinal stromal tumor, somatic; Gastrointestinal stroma tumor. Identifiers: Orphanet 44890, MedGen C0238198, MeSH D046152, MONDO:0011719, OMIM 606764, HP:0100723.
Hereditary cancer-predisposing syndrome. Also called: Tumor predisposition; Hereditary neoplastic syndrome; Hereditary Cancer Syndrome; Neoplastic Syndromes, Hereditary. Identifiers: Orphanet 140162, MedGen C0027672, MeSH D009386, MONDO:0015356.
Hereditary pheochromocytoma and paraganglioma. Also called: Hereditary paragangliomas and pheochromocytomas; Hereditary pheochromocytoma-paraganglioma; Hereditary Paraganglioma-Pheochromocytoma Syndromes. Identifiers: Orphanet 29072, MedGen C4274332, MONDO:0017366.

Allele frequency attached by ClinVar (database versions not stated): gnomAD exomes below 0.00001; TOPMed 0.00001.
gnomAD v4.1: 2 of 1,614,144 alleles (0.00012%); highest among the groups gnomAD compares: Non-Finnish European, 0.000085%; no homozygotes.

Submissions (8):

Labcorp Genetics (formerly Invitae), Labcorp
Classification: Uncertain significance for Gastrointestinal stromal tumor; Pheochromocytoma/paraganglioma syndrome 4; Pheochromocytoma. Last evaluated: 2026-01-22. Review status: criteria provided, single submitter. Criteria: Invitae Variant Classification Sherloc (09022015). Collection method: clinical testing. Allele origin: germline.
Comment: This sequence change replaces isoleucine, which is neutral and non-polar, with leucine, which is neutral and non-polar, at codon 127 of the SDHB protein (p.Ile127Leu). This variant is present in population databases (rs201372280, gnomAD 0.0009%). This missense change has been observed in individual(s) with early onset renal cell carcinoma (PMID: 23083876). ClinVar contains an entry for this variant (Variation ID: 412472). Invitae Evidence Modeling of protein sequence and biophysical properties (such as structural, functional, and spatial information, amino acid conservation, physicochemical variation, residue mobility, and thermodynamic stability) indicates that this missense variant is not expected to disrupt SDHB protein function with a negative predictive value of 80%. This variant disrupts the p.Ile127 amino acid residue in SDHB. Other variant(s) that disrupt this residue have been determined to be pathogenic (PMID: 16317055, 16912137, 16916404, 17200167, 19001511, 25683602, 25972245, 29386252, 29951630). This suggests that this residue is clinically significant, and that variants that disrupt this residue are likely to be disease-causing. In summary, the available evidence is currently insufficient to determine the role of this variant in disease. Therefore, it has been classified as a Variant of Uncertain Significance.

Ambry Genetics
Classification: Uncertain significance for Hereditary cancer-predisposing syndrome. Last evaluated: 2025-09-26. Review status: criteria provided, single submitter. Criteria: Ambry Variant Classification Scheme 2023. Collection method: clinical testing. Allele origin: germline.
Comment: The p.I127L variant (also known as c.379A>C), located in coding exon 4 of the SDHB gene, results from an A to C substitution at nucleotide position 379. The isoleucine at codon 127 is replaced by leucine, an amino acid with highly similar properties. This amino acid position is highly conserved in available vertebrate species. In addition, this alteration is predicted to be deleterious by in silico analysis. Based on the available evidence, the clinical significance of this variant remains unclear.

Institute for Genomic Medicine (IGM) Clinical Laboratory, Nationwide Children's Hospital
Classification: Uncertain significance for Pheochromocytoma/paraganglioma syndrome 4. Last evaluated: 2025-02-11. Review status: criteria provided, single submitter. Criteria: ACMG Guidelines, 2015. Collection method: clinical testing. Allele origin: germline.
Comment: This variant has been reported at an elevated frequency in affected individuals/in multiple affected individuals in the literature (ACMG/AMP: PS4_Supporting; PMID:23083876). This variant is absent from or present at an exceedingly low frequency in gnomAD, a large-scale control population database (ACMG/AMP: PM2). A different substitution at this amino acid position has been reported as pathogenic (ACMG/AMP: PM5).

Color Diagnostics, LLC DBA Color Health
Classification: Uncertain significance for Hereditary pheochromocytoma and paraganglioma. Last evaluated: 2024-05-23. Review status: criteria provided, single submitter. Criteria: ACMG Guidelines, 2015. Collection method: clinical testing. Allele origin: germline.
Comment: This missense variant replaces isoleucine with leucine at codon 127 of the SDHB protein. Computational prediction suggests that this variant may have deleterious impact on protein structure and function. To our knowledge, functional studies have not been reported for this variant. This variant has been reported in one family with an individual affected with renal cell carcinoma (RCC), however the variant was also present in 4 unaffected family members (PMID: 23083876). Another variant impacting this residue (p.Ile127) has been determined to be pathogenic, indicating that other variants at this residue may also be disease causing (ClinVar Variation ID: 183814). This variant has been identified in 1/251456 chromosomes in the general population by the Genome Aggregation Database (gnomAD). The available evidence is insufficient to determine the role of this variant in disease conclusively. Therefore, this variant is classified as a Variant of Uncertain Significance.

CeGaT Center for Human Genetics Tuebingen
Classification: Uncertain significance. Last evaluated: 2024-01-01. Review status: criteria provided, single submitter. Criteria: CeGaT Center For Human Genetics Tuebingen Variant Classification Criteria Version 2. Collection method: clinical testing. Allele origin: germline. Affected: yes. Observed: 1 variant allele.
Comment: SDHB: PM2, PM5

GeneDx
Classification: Uncertain significance. Last evaluated: 2023-09-19. Review status: criteria provided, single submitter. Criteria: GeneDx Variant Classification Process June 2021. Collection method: clinical testing. Allele origin: germline. Affected: yes.
Comment: Not observed at significant frequency in large population cohorts (gnomAD); In silico analysis supports that this missense variant does not alter protein structure/function; Observed in individuals with breast or renal cancer, but also in unaffected family members, in published literature (Ricketts et al., 2012; Mittal et al., 2022); This variant is associated with the following publications: (PMID: 34703596, 25972245, 25683602, 16916404, 17200167, 19001511, 29951630, 16912137, 16317055, 29386252, 36200007, 23083876)

Baylor Genetics
Classification: Uncertain significance for Gastrointestinal stromal tumor. Last evaluated: 2023-06-26. Review status: criteria provided, single submitter. Criteria: ACMG Guidelines, 2015. Collection method: clinical testing. Allele origin: unknown.

Fulgent Genetics
Classification: Uncertain significance for Pheochromocytoma/paraganglioma syndrome 4; Pheochromocytoma; Gastrointestinal stromal tumor; Carney-Stratakis syndrome; Mitochondrial complex 2 deficiency, nuclear type 4. Last evaluated: 2022-02-14. Review status: criteria provided, single submitter. Criteria: ACMG Guidelines, 2015. Collection method: clinical testing. Allele origin: unknown.

Literature cited by the submitters: PubMed 23083876 (cited by 4 submitters); PubMed 16317055 (cited by Labcorp Genetics (formerly Invitae), Labcorp); PubMed 16912137 (cited by Labcorp Genetics (formerly Invitae), Labcorp); PubMed 16916404 (cited by Labcorp Genetics (formerly Invitae), Labcorp); PubMed 17200167 (cited by Labcorp Genetics (formerly Invitae), Labcorp); PubMed 19001511 (cited by Labcorp Genetics (formerly Invitae), Labcorp); PubMed 25683602 (cited by Labcorp Genetics (formerly Invitae), Labcorp); PubMed 25972245 (cited by Labcorp Genetics (formerly Invitae), Labcorp); PubMed 29386252 (cited by Labcorp Genetics (formerly Invitae), Labcorp); PubMed 29951630 (cited by Labcorp Genetics (formerly Invitae), Labcorp).

NM_003000.3(SDHB):c.379A>C (p.Ile127Leu)

Gene: SDHB (succinate dehydrogenase complex iron sulfur subunit B; minus strand). Cytogenetic location: 1p36.13.
Variant type: single nucleotide variant.
Coding change: c.379A>C on transcript NM_003000.3 (MANE Select); coding-DNA position 379, A replaced by C.
Protein change: p.Ile127Leu; replaces isoleucine 127 with leucine.
Molecular consequence: missense variant.
Genome position (GRCh38, 1-based): chr1:17,028,644, T>G on the plus strand (A>C on the coding strand, the complement: SDHB is on the minus strand). VCF-style: chr1-17028644-T-G. GRCh37 (hg19) VCF-style: chr1-17355139-T-G.
Other names: short protein forms I127L.
Identifiers: ClinVar variation 412472 (VCV000412472.43), dbSNP rs201372280, ClinGen allele CA16609924.
Genomic context (GRCh38, chr1:17,028,644, plus strand): 5'-AGATGCAGAAACTCACGGGAACAAGATCCTTTATCACATACATGTGTGGAAGAGGGTAGA[T>G]TTTTGAGACCTTATTGAGGTTGGTGTCAATCCTTCGGGTGCAAGCTAGAGTGTTGCCTCC-3'
Protein context (NP_002991.2, residues 117-137): IDTNLNKVSK[Ile127Leu]YPLPHMYVIK